The following is an entry in ClinVar:

NM_020806.5(GPHN):c.772G>T (p.Gly258Cys)

Gene: GPHN (gephyrin; plus strand). Cytogenetic location: 14q23.3.
Variant type: single nucleotide variant.
Coding change: c.772G>T on transcript NM_020806.5 (MANE Select); coding-DNA position 772, G replaced by T.
Protein change: p.Gly258Cys; replaces glycine 258 with cysteine.
Molecular consequence: missense variant. On other transcripts: intron variant (7).
Genome position (GRCh38, 1-based): chr14:66,924,236, G>T. VCF-style: chr14-66924236-G-T. GRCh37 (hg19) VCF-style: chr14-67390953-G-T.
Other names: c.768+1298G>T (NM_001377514.1, NM_001377519.1); c.729+1298G>T (NM_001377515.1, NM_001377516.1, NM_001377518.1 and 2 more transcripts); short protein forms G258C.
Identifiers: ClinVar variation 2806835 (VCV002806835.3), dbSNP rs1458825735, ClinGen allele CA390256687.

ClinVar aggregate classification (germline): Uncertain significance (1 of 4 stars; one submission).

Conditions:
Sulfite oxidase deficiency due to molybdenum cofactor deficiency type C. Also called: Molybdenum cofactor deficiency, complementation group C; Molybdenum cofactor deficiency C. Identifiers: Orphanet 308400, Orphanet 833, MedGen C1854990, MONDO:0014212, OMIM 615501.

Submission:

Labcorp Genetics (formerly Invitae), Labcorp
Classification: Uncertain significance for Sulfite oxidase deficiency due to molybdenum cofactor deficiency type C. Last evaluated: 2023-11-20. Review status: criteria provided, single submitter. Criteria: Invitae Variant Classification Sherloc (09022015). Collection method: clinical testing. Allele origin: germline.
Comment: This sequence change replaces glycine, which is neutral and non-polar, with cysteine, which is neutral and slightly polar, at codon 258 of the GPHN protein (p.Gly258Cys). This variant is not present in population databases (gnomAD no frequency). This variant has not been reported in the literature in individuals affected with GPHN-related conditions. An algorithm developed to predict the effect of missense changes on protein structure and function (PolyPhen-2) suggests that this variant is likely to be disruptive. In summary, the available evidence is currently insufficient to determine the role of this variant in disease. Therefore, it has been classified as a Variant of Uncertain Significance.